The following is an entry in ClinVar:

NC_000015.10:g.84817352G>C

Gene: ALPK3 (alpha kinase 3; plus strand). Cytogenetic location: 15q25.3.
Variant type: single nucleotide variant.
Genome position: GRCh38 VCF-style: chr15-84817352-G-C. GRCh37 (hg19) VCF-style: chr15-85360583-G-C.
Identifiers: ClinVar variation 1408844 (VCV001408844.6), dbSNP rs2141542012, ClinGen allele CA393369054.

ClinVar aggregate classification (germline): Uncertain significance (1 of 4 stars; one submission).

Allele frequency attached by ClinVar (database versions not stated): gnomAD exomes below 0.00001.

Submission:

Labcorp Genetics (formerly Invitae), Labcorp
Classification: Uncertain significance. Last evaluated: 2025-03-22. Review status: criteria provided, single submitter. Criteria: Invitae Variant Classification Sherloc (09022015). Collection method: clinical testing. Allele origin: germline.
Comment: This sequence change replaces arginine, which is basic and polar, with proline, which is neutral and non-polar, at codon 169 of the ALPK3 protein (p.Arg169Pro). This variant is not present in population databases (gnomAD no frequency). This variant has not been reported in the literature in individuals affected with ALPK3-related conditions. ClinVar contains an entry for this variant (Variation ID: 1408844). An algorithm developed to predict the effect of missense changes on protein structure and function (PolyPhen-2) suggests that this variant is likely to be tolerated. In summary, the available evidence is currently insufficient to determine the role of this variant in disease. Therefore, it has been classified as a Variant of Uncertain Significance.